The following is an entry in ClinVar:

ClinVar aggregate classification (germline): Likely pathogenic (1 of 4 stars; one submission).

Conditions:
Kabuki syndrome 1 (KABUK1). Also called: KMT2D-Related Kabuki Syndrome. Identifiers: Orphanet 2322, MedGen CN030661, MONDO:0007843, OMIM 147920.

Submission:

Dasa
Classification: Likely pathogenic for Kabuki syndrome 1. Last evaluated: 2025-05-29. Review status: criteria provided, single submitter. Criteria: DASA Assertion Criteria. Collection method: clinical testing. Allele origin: germline.
Comment: NM_003482.4(KMT2D):c.7718del (p.Gly2573Alafs*10) is a frameshift variant in KMT2D predicted to alter the reading frame and introduce a premature termination codon and is predicted to result in an absent or altered protein product. Loss of function is an established disease mechanism for KMT2D (PMID: 20711175; PMID: 21671394; PMID: 21607748). Also, this variant is absent from population databases. Based on the currently available evidence, this variant is classified as likely pathogenic.

Literature cited by the submitters: PubMed 20711175; PubMed 21671394; PubMed 21607748.

NM_003482.4(KMT2D):c.7718del (p.Gly2573fs)

Gene: KMT2D (lysine methyltransferase 2D; minus strand). Cytogenetic location: 12q13.12.
Variant type: Deletion.
Coding change: c.7718del on transcript NM_003482.4 (MANE Select); coding-DNA position 7718, one base deleted (G; older notation c.7718delG).
Protein change: p.Gly2573fs; shifts the reading frame from glycine 2573.
Molecular consequence: frameshift variant.
Genome position (GRCh38, 1-based): chr12:49,040,052, C deleted on the plus strand (G on the coding strand, the reverse complement: KMT2D is on the minus strand); the first of 3 consecutive C bases (chr12:49,040,052-49,040,054); deleting any one gives the same sequence. VCF-style (leftmost placement, unchanged base first): chr12-49040051-GC-G. GRCh37 (hg19) VCF-style: chr12-49433834-GC-G.
Other names: short protein forms G2573fs.
Identifiers: ClinVar variation 4880589 (VCV004880589.2).